The following is an entry in ClinVar:

NM_020937.4(FANCM):c.1880G>A (p.Arg627Gln)

Gene: FANCM (FA complementation group M; plus strand). Cytogenetic location: 14q21.2.
Variant type: single nucleotide variant.
Coding change: c.1880G>A on transcript NM_020937.4 (MANE Select); coding-DNA position 1880, G replaced by A.
Protein change: p.Arg627Gln; replaces arginine 627 with glutamine.
Molecular consequence: missense variant.
Genome position (GRCh38, 1-based): chr14:45,167,041, G>A. VCF-style: chr14-45167041-G-A. GRCh37 (hg19) VCF-style: chr14-45636244-G-A.
Other names: c.1802G>A, p.Arg601Gln (NM_001308133.2); c.1880G>A, p.Arg627Gln (NM_001308134.2); short protein forms R627Q, R601Q.
Identifiers: ClinVar variation 585139 (VCV000585139.11), dbSNP rs777379515, ClinGen allele CA389594973.
Genomic context (GRCh38, chr14:45,167,041, plus strand): 5'-GTATATATAAAGCTATTTCAAGTAACAGGCAGGTCCTTCATTTTTACCAAAGAAGTCCAC[G>A]AATGGTTCCTGATGGAATCAACCCAAAATTACACAAAATGTTCATCACACATGGTGTCTA-3'
Protein context (NP_065988.1, residues 617-637): QVLHFYQRSP[Arg627Gln]MVPDGINPKL

ClinVar aggregate classification (germline): Uncertain significance. Review status: criteria provided, multiple submitters, no conflicts (2 of 4 stars). 2 submissions from 2 submitters: Uncertain significance (2). Last evaluated 2026-01-19.

Conditions:
Fanconi anemia (FA). Also called: Fanconi's anemia. Identifiers: Orphanet 84, MedGen C0015625, MeSH D005199, MONDO:0019391.

gnomAD v4.1: 12 of 1,611,942 alleles (0.00074%); highest among the groups gnomAD compares: Non-Finnish European, 0.001%; no homozygotes.

Submissions (2):

Labcorp Genetics (formerly Invitae), Labcorp
Classification: Uncertain significance for Fanconi anemia. Last evaluated: 2026-01-19. Review status: criteria provided, single submitter. Criteria: Invitae Variant Classification Sherloc (09022015). Collection method: clinical testing. Allele origin: germline.
Comment: This sequence change replaces arginine, which is basic and polar, with glutamine, which is neutral and polar, at codon 627 of the FANCM protein (p.Arg627Gln). This variant is present in population databases (no rsID available, gnomAD 0.0009%). This variant has not been reported in the literature in individuals affected with FANCM-related conditions. ClinVar contains an entry for this variant (Variation ID: 585139). An algorithm developed to predict the effect of missense changes on protein structure and function (PolyPhen-2) suggests that this variant is likely to be disruptive. In summary, the available evidence is currently insufficient to determine the role of this variant in disease. Therefore, it has been classified as a Variant of Uncertain Significance.

GeneDx
Classification: Uncertain significance. Last evaluated: 2024-05-30. Review status: criteria provided, single submitter. Criteria: GeneDx Variant Classification Process June 2021. Collection method: clinical testing. Allele origin: germline.
Comment: Not observed at significant frequency in large population cohorts (gnomAD); In silico analysis supports that this missense variant has a deleterious effect on protein structure/function; Has not been previously published as pathogenic or benign to our knowledge